The following is an entry in ClinVar:

ClinVar aggregate classification (germline): Uncertain significance (1 of 4 stars; one submission).

Conditions:
Hyperphosphatasia with intellectual disability syndrome 5 (GPIBD11). Also called: GLYCOSYLPHOSPHATIDYLINOSITOL BIOSYNTHESIS DEFECT 11. Identifiers: Orphanet 247262, MedGen C4014958, MONDO:0014457, OMIM 616025.

Allele frequency attached by ClinVar (database versions not stated): gnomAD exomes below 0.00001 and 0.00003; ExAC 0.00001.
gnomAD v4.1: 24 of 1,614,098 alleles (0.0015%); highest among the groups gnomAD compares: Non-Finnish European, 0.002%; no homozygotes.

Submission:

Labcorp Genetics (formerly Invitae), Labcorp
Classification: Uncertain significance for Hyperphosphatasia with intellectual disability syndrome 5. Last evaluated: 2023-05-15. Review status: criteria provided, single submitter. Criteria: Invitae Variant Classification Sherloc (09022015). Collection method: clinical testing. Allele origin: germline.
Comment: In summary, the available evidence is currently insufficient to determine the role of this variant in disease. Therefore, it has been classified as a Variant of Uncertain Significance. Advanced modeling of protein sequence and biophysical properties (such as structural, functional, and spatial information, amino acid conservation, physicochemical variation, residue mobility, and thermodynamic stability) performed at Invitae indicates that this missense variant is expected to disrupt PIGW protein function. ClinVar contains an entry for this variant (Variation ID: 1478660). This variant has not been reported in the literature in individuals affected with PIGW-related conditions. This variant is present in population databases (rs757111382, gnomAD 0.0009%). This sequence change replaces tyrosine, which is neutral and polar, with cysteine, which is neutral and slightly polar, at codon 162 of the PIGW protein (p.Tyr162Cys).

NM_001346754.2(PIGW):c.485A>G (p.Tyr162Cys)

Genes: MYO19 (myosin XIX; minus strand), PIGW (phosphatidylinositol glycan anchor biosynthesis class W; plus strand). Cytogenetic location: 17q12.
Variant type: single nucleotide variant.
Coding change: c.485A>G on transcript NM_001346754.2 (MANE Select); coding-DNA position 485, A replaced by G.
Protein change: p.Tyr162Cys; replaces tyrosine 162 with cysteine.
Molecular consequence: missense variant.
Genome position (GRCh38, 1-based): chr17:36,537,586, A>G. VCF-style: chr17-36537586-A-G. GRCh37 (hg19) VCF-style: chr17-34893435-A-G.
Other names: c.485A>G, p.Tyr162Cys (NM_001346755.2, NM_178517.5); short protein forms Y162C.
Identifiers: ClinVar variation 1478660 (VCV001478660.8), dbSNP rs757111382, ClinGen allele CA290115969.
Genomic context (GRCh38, chr17:36,537,586, plus strand): 5'-TTGCTATTTTGGCTGTGGACTTCCCACTTTTTCCCAGAAGATTTGCCAAAACTGAGCTCT[A>G]TGGGACAGGAGCAATGGATTTTGGAGTAGGTGGCTTTGTTTTTGGGTCTGCAATGGTTTG-3'
Protein context (NP_001333683.1, residues 152-172): FPRRFAKTEL[Tyr162Cys]GTGAMDFGVG